The following is an entry in ClinVar:

NM_001206927.2(DNAH8):c.2594A>G (p.Gln865Arg)

Gene: DNAH8 (dynein axonemal heavy chain 8; plus strand). Cytogenetic location: 6p21.2.
Variant type: single nucleotide variant.
Coding change: c.2594A>G on transcript NM_001206927.2 (MANE Select); coding-DNA position 2594, A replaced by G.
Protein change: p.Gln865Arg; replaces glutamine 865 with arginine.
Molecular consequence: missense variant.
Genome position (GRCh38, 1-based): chr6:38,789,813, A>G. VCF-style: chr6-38789813-A-G. GRCh37 (hg19) VCF-style: chr6-38757589-A-G.
Other names: c.1943A>G, p.Gln648Arg (NM_001371.4); short protein forms Q648R, Q865R.
Identifiers: ClinVar variation 4993572 (VCV004993572.1).
Genomic context (GRCh38, chr6:38,789,813, plus strand): 5'-GCTACTTTAAAATGAATTAAAATAAAACATGCCATTTCAACTTCCTACAGGGTCTTCTGC[A>G]ATATTATGATGAGTTATGTCAGGAAGTGCCTTCTGTGTTTGTCAATCTGATGACCCCAAA-3'
Protein context (NP_001193856.1, residues 855-875): ADKLYLQGLL[Gln865Arg]YYDELCQEVP

ClinVar aggregate classification (germline): Uncertain significance (1 of 4 stars; one submission).

Conditions:
DNAH8-related disorder. Also called: DNAH8-related condition.

Submission:

PreventionGenetics, part of Exact Sciences
Classification: Uncertain significance for DNAH8-related condition. Last evaluated: 2025-08-25. Review status: criteria provided, single submitter. Criteria: ACMG Guidelines, 2015. Collection method: clinical testing. Allele origin: germline.
Comment: The DNAH8 c.2594A>G variant is predicted to result in the amino acid substitution p.Gln865Arg. To our knowledge, this variant has not been reported in the literature or in a large population database (gnomAD), indicating this variant is rare. At this time, the clinical significance of this variant is uncertain due to the absence of conclusive functional and genetic evidence.